The following is an entry in ClinVar:

ClinVar aggregate classification (germline): Benign (1 of 4 stars; one submission).

Conditions:
Hereditary angioedema type 1 (HAE1). Identifiers: Orphanet 100050, Orphanet 100051, Orphanet 91378, MedGen C2717906, MONDO:0015053, OMIM 106100.

Allele frequency attached by ClinVar (database versions not stated): 1000 Genomes Project 0.14896; 1000 Genomes Project 30x 0.15100; TOPMed 0.19610; gnomAD 0.21152 and 0.21307.
gnomAD v4.1: 32,264 of 152,164 alleles (21%); highest among the groups gnomAD compares: Non-Finnish European, 27%; 3,928 homozygotes.

Submission:

CeMIA
Classification: Benign for Hereditary angioedema type 1. Review status: criteria provided, single submitter. Criteria: ACMG Guidelines, 2015. Collection method: clinical testing. Allele origin: germline. Affected: yes.
Comment: This variant is considered likely benign or benign based on one or more of the following criteria: allele frequency is >5% in Exome Sequencing Project, 1000 Genomes Project, or Exome Aggregation Consortium (BA1), allele frequency is greater than expected for disorder (BS1), it is observed in a healthy adult individual (BS2), it is predicted to be benign by multiple in silico algorithms (BP4), it is found in a case with an alternate molecular basis for the disease (BP5) and/or reputable source recently reports variant as benign (BP6).

Literature cited by the submitters: PubMed 31959500.

NM_000062.3(SERPING1):c.1029+1443G>C

Gene: SERPING1 (serpin family G member 1; plus strand). Cytogenetic location: 11q12.1.
Variant type: single nucleotide variant.
Coding change: c.1029+1443G>C on transcript NM_000062.3 (MANE Select); 1443 bases into the intron after coding-DNA position 1029, G replaced by C.
Molecular consequence: intron variant.
Genome position (GRCh38, 1-based): chr11:57,607,990, G>C. VCF-style: chr11-57607990-G-C. GRCh37 (hg19) VCF-style: chr11-57375463-G-C.
Other names: c.1029+1443G>C (NM_001032295.2).
Identifiers: ClinVar variation 983257 (VCV000983257.2), dbSNP rs78624400, ClinGen allele CA13383186.